The following is an entry in ClinVar:

ClinVar aggregate classification (germline): Uncertain significance. Review status: criteria provided, single submitter (1 of 4 stars). 2 submissions from 2 submitters: Uncertain significance (1). 1 of the submissions does not count toward it. Last evaluated 2025-04-25.

Conditions:
DYRK1B-related disorder. Also called: DYRK1B-related condition.
Inborn genetic diseases. Identifiers: MedGen C0950123, MeSH D030342.

gnomAD v4.1: 15 of 1,538,896 alleles (0.00097%); highest among the groups gnomAD compares: African/African-American, 0.0041%; no homozygotes.

Submissions (2):

Ambry Genetics
Classification: Uncertain significance for Inborn genetic diseases. Last evaluated: 2025-04-25. Review status: criteria provided, single submitter. Criteria: Ambry Variant Classification Scheme 2023. Collection method: clinical testing. Allele origin: germline.

PreventionGenetics, part of Exact Sciences
Classification: Uncertain significance for DYRK1B-related condition. Last evaluated: 2024-03-23. Review status: no assertion criteria provided. Collection method: clinical testing. Allele origin: germline. Not counted in ClinVar's aggregate classification.
Comment: The DYRK1B c.1670C>T variant is predicted to result in the amino acid substitution p.Ser557Leu. To our knowledge, this variant has not been reported in the literature. This variant is reported in 0.0057% of alleles in individuals of South Asian descent in gnomAD. At this time, the clinical significance of this variant is uncertain due to the absence of conclusive functional and genetic evidence.

NM_004714.3(DYRK1B):c.1670C>T (p.Ser557Leu)

Gene: DYRK1B (dual specificity tyrosine phosphorylation regulated kinase 1B; minus strand). Cytogenetic location: 19q13.2.
Variant type: single nucleotide variant.
Coding change: c.1670C>T on transcript NM_004714.3 (MANE Select); coding-DNA position 1670, C replaced by T.
Protein change: p.Ser557Leu; replaces serine 557 with leucine.
Molecular consequence: missense variant.
Genome position (GRCh38, 1-based): chr19:39,825,935, G>A on the plus strand (C>T on the coding strand, the complement: DYRK1B is on the minus strand). VCF-style: chr19-39825935-G-A. GRCh37 (hg19) VCF-style: chr19-40316575-G-A.
Other names: c.1550C>T, p.Ser517Leu (NM_006483.3); c.1586C>T, p.Ser529Leu (NM_006484.3); c.1670C>T (NM_004714.1); short protein forms S517L, S529L, S557L.
Identifiers: ClinVar variation 3356556 (VCV003356556.2).